The following is an entry in ClinVar:

NM_025207.5(FLAD1):c.1049C>T (p.Ser350Leu)

Gene: FLAD1 (flavin adenine dinucleotide synthetase 1; plus strand). Cytogenetic location: 1q21.3.
Variant type: single nucleotide variant.
Coding change: c.1049C>T on transcript NM_025207.5 (MANE Select); coding-DNA position 1049, C replaced by T.
Protein change: p.Ser350Leu; replaces serine 350 with leucine.
Molecular consequence: missense variant.
Genome position (GRCh38, 1-based): chr1:154,988,781, C>T. VCF-style: chr1-154988781-C-T. GRCh37 (hg19) VCF-style: chr1-154961257-C-T.
Other names: c.1049C>T (NM_025207.4); c.758C>T, p.Ser253Leu (NM_001184891.2, NM_201398.3); c.752C>T, p.Ser251Leu (NM_001184892.2); short protein forms S251L, S253L, S350L.
Identifiers: ClinVar variation 1445417 (VCV001445417.9), dbSNP rs757699721, ClinGen allele CA1134456.

ClinVar aggregate classification (germline): Uncertain significance. Review status: criteria provided, multiple submitters, no conflicts (2 of 4 stars). 4 submissions from 4 submitters: Uncertain significance (4). Last evaluated 2026-04-24.

Conditions:
FLAD1-related disorder. Also called: FLAD1-related condition.
Inborn genetic diseases. Identifiers: MedGen C0950123, MeSH D030342.

Allele frequency attached by ClinVar (database versions not stated): gnomAD 0.00005; TOPMed 0.00005; ExAC 0.00007; gnomAD exomes 0.00009.
gnomAD v4.1: 70 of 1,614,072 alleles (0.0043%); highest among the groups gnomAD compares: East Asian, 0.065%; no homozygotes.

Submissions (4):

PreventionGenetics, part of Exact Sciences
Classification: Uncertain significance for FLAD1-related condition. Last evaluated: 2026-04-24. Review status: criteria provided, single submitter. Criteria: ACMG Guidelines, 2015. Collection method: clinical testing. Allele origin: germline.
Comment: The FLAD1 c.1049C>T variant is predicted to result in the amino acid substitution p.Ser350Leu. To our knowledge, this variant has not been reported in the literature. This variant is reported in 0.050% of alleles in individuals of East Asian descent in gnomAD. At this time, the clinical significance of this variant is uncertain due to the absence of conclusive functional and genetic evidence.

Ambry Genetics
Classification: Uncertain significance for Inborn genetic diseases. Last evaluated: 2025-10-22. Review status: criteria provided, single submitter. Criteria: Ambry Variant Classification Scheme 2023. Collection method: clinical testing. Allele origin: germline.

Labcorp Genetics (formerly Invitae), Labcorp
Classification: Uncertain significance. Last evaluated: 2024-08-05. Review status: criteria provided, single submitter. Criteria: Invitae Variant Classification Sherloc (09022015). Collection method: clinical testing. Allele origin: germline.
Comment: This sequence change replaces serine, which is neutral and polar, with leucine, which is neutral and non-polar, at codon 350 of the FLAD1 protein (p.Ser350Leu). This variant is present in population databases (rs757699721, gnomAD 0.05%). This variant has not been reported in the literature in individuals affected with FLAD1-related conditions. ClinVar contains an entry for this variant (Variation ID: 1445417). An algorithm developed to predict the effect of missense changes on protein structure and function (PolyPhen-2) suggests that this variant is likely to be tolerated. In summary, the available evidence is currently insufficient to determine the role of this variant in disease. Therefore, it has been classified as a Variant of Uncertain Significance.

GeneDx
Classification: Uncertain significance. Last evaluated: 2024-07-05. Review status: criteria provided, single submitter. Criteria: GeneDx Variant Classification Process June 2021. Collection method: clinical testing. Allele origin: germline. Affected: yes.
Comment: In silico analysis indicates that this missense variant does not alter protein structure/function; Has not been previously published as pathogenic or benign to our knowledge